The following is an entry in ClinVar:

NM_177438.3(DICER1):c.830C>T (p.Ala277Val)

Gene: DICER1 (dicer 1, ribonuclease III; minus strand). Cytogenetic location: 14q32.13.
Variant type: single nucleotide variant.
Coding change: c.830C>T on transcript NM_177438.3 (MANE Select); coding-DNA position 830, C replaced by T.
Protein change: p.Ala277Val; replaces alanine 277 with valine.
Molecular consequence: missense variant.
Genome position (GRCh38, 1-based): chr14:95,126,653, G>A on the plus strand (C>T on the coding strand, the complement: DICER1 is on the minus strand). VCF-style: chr14-95126653-G-A. GRCh37 (hg19) VCF-style: chr14-95592990-G-A.
Other names: c.830C>T, p.Ala277Val (NM_001195573.1, NM_001271282.3, NM_001291628.2 and 1 more transcripts); short protein forms A277V.
Identifiers: ClinVar variation 412163 (VCV000412163.20), dbSNP rs986916694, ClinGen allele CA16614721.

ClinVar aggregate classification (germline): Uncertain significance. Review status: criteria provided, multiple submitters, no conflicts (2 of 4 stars). 6 submissions from 6 submitters: Uncertain significance (6). Last evaluated 2025-10-27.

Conditions:
Global developmental delay - lung cysts - overgrowth - Wilms tumor syndrome. Also called: GLOW Syndrome; GLOBAL DEVELOPMENTAL DELAY, LUNG CYSTS, OVERGROWTH, AND WILMS TUMOR. Identifiers: Orphanet 404476, MedGen C4748924, MONDO:0018445, OMIM 618272.
DICER1-related tumor predisposition. Also called: DICER1-related pleuropulmonary blastoma cancer predisposition syndrome; DICER1 syndrome. Identifiers: Orphanet 284343, MedGen C3839822, MONDO:0100216.
Hereditary cancer-predisposing syndrome. Also called: Hereditary neoplastic syndrome; Neoplastic Syndromes, Hereditary; Tumor predisposition; Hereditary Cancer Syndrome. Identifiers: Orphanet 140162, MedGen C0027672, MeSH D009386, MONDO:0015356.

Allele frequency attached by ClinVar (database versions not stated): gnomAD exomes below 0.00001; gnomAD 0.00001; TOPMed 0.00001.
gnomAD v4.1: 5 of 1,580,036 alleles (0.00032%); highest among the groups gnomAD compares: Admixed American, 0.0017%; no homozygotes.

Submissions (6):

Labcorp Genetics (formerly Invitae), Labcorp
Classification: Uncertain significance for DICER1-related tumor predisposition. Last evaluated: 2025-10-27. Review status: criteria provided, single submitter. Criteria: Invitae Variant Classification Sherloc (09022015). Collection method: clinical testing. Allele origin: germline.
Comment: This sequence change replaces alanine, which is neutral and non-polar, with valine, which is neutral and non-polar, at codon 277 of the DICER1 protein (p.Ala277Val). This variant is present in population databases (no rsID available, gnomAD 0.0009%). This variant has not been reported in the literature in individuals affected with DICER1-related conditions. ClinVar contains an entry for this variant (Variation ID: 412163). Invitae Evidence Modeling of protein sequence and biophysical properties (such as structural, functional, and spatial information, amino acid conservation, physicochemical variation, residue mobility, and thermodynamic stability) has been performed for this missense variant. However, the output from this modeling did not meet the statistical confidence thresholds required to predict the impact of this variant on DICER1 protein function. RNA analysis performed to evaluate the impact of this missense change on mRNA splicing indicates it does not significantly alter splicing (internal data). In summary, the available evidence is currently insufficient to determine the role of this variant in disease. Therefore, it has been classified as a Variant of Uncertain Significance.

Ambry Genetics
Classification: Uncertain significance for Hereditary cancer-predisposing syndrome. Last evaluated: 2024-12-04. Review status: criteria provided, single submitter. Criteria: Ambry Variant Classification Scheme 2023. Collection method: clinical testing. Allele origin: germline.
Comment: The p.A277V variant (also known as c.830C>T), located in coding exon 6 of the DICER1 gene, results from a C to T substitution at nucleotide position 830. The alanine at codon 277 is replaced by valine, an amino acid with similar properties. This amino acid position is highly conserved in available vertebrate species. In addition, the in silico prediction for this alteration is inconclusive. Since supporting evidence is limited at this time, the clinical significance of this alteration remains unclear.

Quest Diagnostics Nichols Institute San Juan Capistrano
Classification: Uncertain significance. Last evaluated: 2024-11-02. Review status: criteria provided, single submitter. Criteria: Quest Diagnostics criteria. Collection method: clinical testing. Allele origin: unknown.
Comment: The DICER1 c.830C>T (p.Ala277Val) variant has not been reported in individuals with DICER1-related conditions in the published literature. The frequency of this variant in the general population, 0.000004 (1/251262 chromosomes (Genome Aggregation Database)), is uninformative in the assessment of its pathogenicity. Analysis of this variant using bioinformatics tools for the prediction of the effect of amino acid changes on protein structure and function yielded predictions that this variant is damaging. Based on the available information, we are unable to determine the clinical significance of this variant.

GeneDx
Classification: Uncertain significance. Last evaluated: 2024-01-24. Review status: criteria provided, single submitter. Criteria: GeneDx Variant Classification Process June 2021. Collection method: clinical testing. Allele origin: germline. Affected: yes.
Comment: Not observed at significant frequency in large population cohorts (gnomAD); In silico analysis supports that this missense variant does not alter protein structure/function; Has not been previously published as pathogenic or benign to our knowledge

Baylor Genetics
Classification: Uncertain significance for Global developmental delay - lung cysts - overgrowth - Wilms tumor syndrome. Last evaluated: 2023-08-23. Review status: criteria provided, single submitter. Criteria: ACMG Guidelines, 2015. Collection method: clinical testing. Allele origin: unknown.

Mendelics
Classification: Uncertain significance. Last evaluated: 2022-05-04. Review status: criteria provided, single submitter. Criteria: Mendelics Assertion Criteria 2019. Collection method: clinical testing. Allele origin: germline.